The following is an entry in ClinVar:

ClinVar aggregate classification (germline): Likely benign (1 of 4 stars; one submission).

Submission:

CeGaT Center for Human Genetics Tuebingen
Classification: Likely benign. Last evaluated: 2026-04-01. Review status: criteria provided, single submitter. Criteria: CeGaT Center For Human Genetics Tuebingen Variant Classification Criteria Version 2. Collection method: clinical testing. Allele origin: germline. Affected: yes. Observed: 1 variant allele.
Comment: BCORL1: BP4

NM_001379451.1(BCORL1):c.412G>A (p.Asp138Asn)

Gene: BCORL1 (BCL6 corepressor like 1; plus strand). Cytogenetic location: Xq26.1.
Variant type: single nucleotide variant.
Coding change: c.412G>A on transcript NM_001379451.1 (MANE Select); coding-DNA position 412, G replaced by A.
Protein change: p.Asp138Asn; replaces aspartic acid 138 with asparagine.
Molecular consequence: missense variant.
Genome position (GRCh38, 1-based): chrX:130,013,184, G>A. VCF-style: chrX-130013184-G-A. GRCh37 (hg19) VCF-style: chrX-129147160-G-A.
Other names: c.412G>A, p.Asp138Asn (NM_001184772.3, NM_001379450.1, NM_001441326.1 and 7 more transcripts); short protein forms D138N.
Identifiers: ClinVar variation 4872333 (VCV004872333.2).